The following is an entry in ClinVar:

ClinVar aggregate classification (germline): Likely pathogenic (1 of 4 stars; one submission).

Submission:

GeneDx
Classification: Likely pathogenic. Last evaluated: 2016-09-29. Review status: criteria provided, single submitter. Criteria: GeneDx Variant Classification (06012015). Collection method: clinical testing. Allele origin: germline. Affected: yes.
Comment: The H933Q variant has not been published as a pathogenic variant, nor has it been reported as a benign variant to our knowledge. Another different missense change at this position (H933P) has been reported previously in an individual with Dravet syndrome; however, parental studies were not performed (Zuberi et al., 2011). The H933Q variant was not observed in approximately 6,500 individuals of European and African American ancestry in the NHLBI Exome Sequencing Project, indicating it is not a common benign variant in these populations. The H933Q variant is a semi-conservative amino acid substitution, which may impact secondary protein structure as these residues differ in some properties. This substitution alters a conserved position predicted to be within the pore forming loop between the S5 and S6 transmembrane segments of the second homologous domain. Additionally, multiple missense variants in nearby residues have been reported in the Human Gene Mutation Database in association with SCN1A-related disorders (Stenson et al., 2014), supporting the functional importance of this region of the protein. In silico analysis predicts this variant is probably damaging to the protein structure/function. Therefore, this variant is likely pathogenic; however, the possibility that it is benign cannot be excluded.

NM_001165963.4(SCN1A):c.2799C>A (p.His933Gln)

Gene: SCN1A (sodium voltage-gated channel alpha subunit 1; minus strand). Cytogenetic location: 2q24.3.
Variant type: single nucleotide variant.
Coding change: c.2799C>A on transcript NM_001165963.4 (MANE Select); coding-DNA position 2799, C replaced by A.
Protein change: p.His933Gln; replaces histidine 933 with glutamine.
Molecular consequence: missense variant. On other transcripts: non-coding transcript variant (1).
Genome position (GRCh38, 1-based): chr2:166,037,923, G>T on the plus strand (C>A on the coding strand, the complement: SCN1A is on the minus strand). VCF-style: chr2-166037923-G-T. GRCh37 (hg19) VCF-style: chr2-166894433-G-T.
Other names: c.2715C>A, p.His905Gln (NM_001165964.3, NM_001353957.2, NM_001353958.2); c.2799C>A, p.His933Gln (NM_001202435.3, NM_001353948.2); c.2766C>A, p.His922Gln (NM_001353949.2, NM_001353950.2, NM_001353951.2 and 2 more transcripts); c.2763C>A, p.His921Gln (NM_001353954.2, NM_001353955.2); c.2712C>A, p.His904Gln (NM_001353960.2); c.357C>A, p.His119Gln (NM_001353961.2); short protein forms H922Q, H933Q, H921Q, H119Q, H905Q, H904Q.
Identifiers: ClinVar variation 422369 (VCV000422369.2), dbSNP rs1064795736, ClinGen allele CA16617302.